The following is an entry in ClinVar:

NM_001267550.2(TTN):c.11288_11289del (p.Gln3763fs)

Gene: TTN (titin; minus strand). Cytogenetic location: 2q31.2.
Variant type: Deletion.
Coding change: c.11288_11289del on transcript NM_001267550.2 (MANE Select); coding-DNA positions 11288 to 11289, 2 bases deleted (AA; older notation c.11288_11289delAA).
Protein change: p.Gln3763fs; shifts the reading frame from glutamine 3763.
Molecular consequence: frameshift variant.
Genome position (GRCh38, 1-based): chr2:178,753,146-178,753,147, TT deleted on the plus strand (AA on the coding strand, the reverse complement: TTN is on the minus strand). VCF-style (leftmost placement, unchanged base first): chr2-178753145-CTT-C. GRCh37 (hg19) VCF-style: chr2-179617872-CTT-C.
Other names: c.11288_11289delAA (NM_001267550.2); c.10337_10338del, p.Gln3446fs (NM_001256850.1, NM_133378.4, NM_133379.5); c.10199_10200del, p.Gln3400fs (NM_003319.4); c.10574_10575del, p.Gln3525fs (NM_133432.3); c.10775_10776del, p.Gln3592fs (NM_133437.4); short protein forms Q3525fs, Q3400fs, Q3446fs, Q3592fs, Q3763fs.
Identifiers: ClinVar variation 641398 (VCV000641398.11), dbSNP rs1574322133, ClinGen allele CA915942238.

ClinVar aggregate classification (germline): Likely pathogenic (1 of 4 stars; one submission).

Conditions:
Autosomal recessive limb-girdle muscular dystrophy type 2J (LGMDR10). Also called: Limb-girdle muscular dystrophy, type 2J; MUSCULAR DYSTROPHY, LIMB-GIRDLE, AUTOSOMAL RECESSIVE 10. Identifiers: Orphanet 140922, MedGen C1837342, MONDO:0012127, OMIM 608807.
Dilated cardiomyopathy 1G (CMD1G). Identifiers: Orphanet 154, MedGen C1858763, MONDO:0011400, OMIM 604145.

Submission:

Labcorp Genetics (formerly Invitae), Labcorp
Classification: Likely pathogenic for Dilated cardiomyopathy 1G; Autosomal recessive limb-girdle muscular dystrophy type 2J. Last evaluated: 2024-10-14. Review status: criteria provided, single submitter. Criteria: Invitae Variant Classification Sherloc (09022015). Collection method: clinical testing. Allele origin: germline.
Comment: This sequence change creates a premature translational stop signal (p.Gln3763Argfs*3) in the TTN gene. While this is not anticipated to result in nonsense mediated decay, it is expected to create a truncated TTN protein. This variant is not present in population databases (gnomAD no frequency). This variant has not been reported in the literature in individuals affected with TTN-related conditions. ClinVar contains an entry for this variant (Variation ID: 641398). This variant is located in the I band of TTN (PMID: 25589632). Truncating variants in this region have been reported in individuals affected with autosomal recessive centronuclear myopathy (PMID: 23975875, internal data). Truncating variants in this region have also been identified in individuals affected with autosomal dominant dilated cardiomyopathy and/or cardio-related conditions (PMID: 27869827, 32964742, internal data). In summary, the currently available evidence indicates that the variant is pathogenic, but additional data are needed to prove that conclusively. Therefore, this variant has been classified as Likely Pathogenic.

Literature cited by the submitters: PubMed 25589632; PubMed 23975875; PubMed 27869827; PubMed 32964742.